The following is an entry in ClinVar:

ClinVar aggregate classification (germline): Likely pathogenic (1 of 4 stars; one submission).

Conditions:
Neurodevelopmental disorder with or without variable brain abnormalities; NEDBA. Also called: NEURODEVELOPMENTAL DISORDER WITH OR WITHOUT VARIABLE BRAIN ABNORMALITIES. Identifiers: MedGen C5193102, MONDO:0032755, OMIM 618443.

Submission:

Victorian Clinical Genetics Services, Murdoch Childrens Research Institute
Classification: Likely pathogenic for Neurodevelopmental disorder with or without variable brain abnormalities; NEDBA. Last evaluated: 2021-05-06. Review status: criteria provided, single submitter. Criteria: ACMG Guidelines, 2015. Collection method: clinical testing. Allele origin: germline. Inheritance: Autosomal dominant inheritance.
Comment: Based on the classification scheme VCGS_Germline_v1.3.4, this variant is classified as Likely Pathogenic. Following criteria are met: 0102 - Loss of function is a known mechanism of disease in this gene and is associated with neurodevelopmental disorder with or without variable brain abnormalities (MIM#618443). (I) 0107 - This gene is associated with autosomal dominant disease. (I) 0211 - Canonical splice site variant without proven consequence on splicing (no functional evidence available). (SP) 0251 - This variant is heterozygous. (I) 0301 - Variant is absent from gnomAD (both v2 and v3). (SP) 0505 - Abnormal splicing is predicted by in silico tools and affected nucleotide is highly conserved. (SP) 0705 - No comparable canonical splice variants have previous evidence for pathogenicity. (I) 0807 - This variant has no previous evidence of pathogenicity. (I) 0905 - No published segregation evidence has been identified for this variant. (I) 1007 - No published functional evidence has been identified for this variant. (SP) Legend: (SP) - Supporting pathogenic, (I) - Information, (SB) - Supporting benign

NM_001318852.2(MAPK8IP3):c.318+1G>A

Genes: MAPK8IP3 (mitogen-activated protein kinase 8 interacting protein 3; plus strand), LOC130058173 (ATAC-STARR-seq lymphoblastoid silent region 6998; plus strand). Cytogenetic location: 16p13.3.
Variant type: single nucleotide variant.
Coding change: c.318+1G>A on transcript NM_001318852.2 (MANE Select); the canonical splice donor site of the intron after coding-DNA position 318, G replaced by A.
Molecular consequence: splice donor variant.
Genome position (GRCh38, 1-based): chr16:1,706,658, G>A. VCF-style: chr16-1706658-G-A. GRCh37 (hg19) VCF-style: chr16-1756659-G-A.
Other names: c.318+1G>A (NM_015133.5, NM_001040439.2).
Identifiers: ClinVar variation 1806197 (VCV001806197.1), dbSNP rs2547945615, ClinGen allele CA394213995.